The following is an entry in ClinVar:

ClinVar aggregate classification (germline): Uncertain significance. Review status: criteria provided, multiple submitters, no conflicts (2 of 4 stars). 4 submissions from 4 submitters: Uncertain significance (4). Last evaluated 2025-11-03.

Conditions:
Inborn genetic diseases. Identifiers: MedGen C0950123, MeSH D030342.
Muscular dystrophy-dystroglycanopathy (congenital with brain and eye anomalies), type A9. Also called: WALKER-WARBURG SYNDROME OR MUSCLE-EYE BRAIN DISEASE, DAG1-RELATED; Muscular dystrophy-dystroglycanopathy (congenital with brain and eye anomalies), type a, 9. Identifiers: Orphanet 370997, Orphanet 899, MedGen C4225291, MONDO:0014683, OMIM 616538.
Autosomal recessive limb-girdle muscular dystrophy type 2P. Also called: MUSCULAR DYSTROPHY-DYSTROGLYCANOPATHY, LIMB-GIRDLE, DAG1-RELATED; MUSCULAR DYSTROPHY, LIMB-GIRDLE, TYPE 2P; Limb-Girdle Muscular Dystrophy Type 9C. Identifiers: Orphanet 280333, MedGen C4511963, MONDO:0013440, OMIM 613818.

Allele frequency attached by ClinVar (database versions not stated): gnomAD exomes 0.00006 and 0.00002; ESP Exome Variant Server 0.00008; 1000 Genomes Project 30x 0.00016; gnomAD 0.00004; 1000 Genomes Project 0.00020; TOPMed 0.00003; ExAC 0.00004.
gnomAD v4.1: 97 of 1,611,864 alleles (0.006%); highest among the groups gnomAD compares: Non-Finnish European, 0.0081%; no homozygotes.

Submissions (4):

Ambry Genetics
Classification: Uncertain significance for Inborn genetic diseases. Last evaluated: 2025-11-03. Review status: criteria provided, single submitter. Criteria: Ambry Variant Classification Scheme 2023. Collection method: clinical testing. Allele origin: germline.

Labcorp Genetics (formerly Invitae), Labcorp
Classification: Uncertain significance for Autosomal recessive limb-girdle muscular dystrophy type 2P; Muscular dystrophy-dystroglycanopathy (congenital with brain and eye anomalies), type A9. Last evaluated: 2022-04-18. Review status: criteria provided, single submitter. Criteria: Invitae Variant Classification Sherloc (09022015). Collection method: clinical testing. Allele origin: germline.
Comment: This sequence change replaces proline, which is neutral and non-polar, with leucine, which is neutral and non-polar, at codon 349 of the DAG1 protein (p.Pro349Leu). This variant is present in population databases (rs200233956, gnomAD 0.006%). This variant has not been reported in the literature in individuals affected with DAG1-related conditions. ClinVar contains an entry for this variant (Variation ID: 283029). Algorithms developed to predict the effect of missense changes on protein structure and function are either unavailable or do not agree on the potential impact of this missense change (SIFT: "Deleterious"; PolyPhen-2: "Benign"; Align-GVGD: "Class C0"). In summary, the available evidence is currently insufficient to determine the role of this variant in disease. Therefore, it has been classified as a Variant of Uncertain Significance.

Revvity Omics, Revvity
Classification: Uncertain significance. Last evaluated: 2020-09-14. Review status: criteria provided, single submitter. Criteria: ACMG Guidelines, 2015. Collection method: clinical testing. Allele origin: germline.

Eurofins Ntd Llc (ga)
Classification: Uncertain significance. Last evaluated: 2015-09-14. Review status: criteria provided, single submitter. Criteria: EGL Classification Definitions 2015. Collection method: clinical testing. Allele origin: germline. Observed: 1 variant allele, 1 heterozygote.

NM_004393.6(DAG1):c.1046C>T (p.Pro349Leu)

Gene: DAG1 (dystroglycan 1; plus strand). Cytogenetic location: 3p21.31.
Variant type: single nucleotide variant.
Coding change: c.1046C>T on transcript NM_004393.6 (MANE Select); coding-DNA position 1046, C replaced by T.
Protein change: p.Pro349Leu; replaces proline 349 with leucine.
Molecular consequence: missense variant.
Genome position (GRCh38, 1-based): chr3:49,531,557, C>T. VCF-style: chr3-49531557-C-T. GRCh37 (hg19) VCF-style: chr3-49568990-C-T.
Other names: c.1046C>T, p.Pro349Leu (NM_001165928.4, NM_001177634.3, NM_001177635.3 and 9 more transcripts); c.1046C>T (NM_004393.4); short protein forms P349L.
Identifiers: ClinVar variation 283029 (VCV000283029.11), dbSNP rs200233956, ClinGen allele CA2399002.
Genomic context (GRCh38, chr3:49,531,557, plus strand): 5'-CGGCTATCCAGGAGCCCCCATCCAGGATCGTGCCAACCCCCACATCTCCAGCCATTGCTC[C>T]TCCAACAGAGACCATGGCTCCTCCAGTCAGGGATCCTGTTCCTGGGAAACCCACGGTCAC-3'
Protein context (NP_004384.5, residues 339-359): VPTPTSPAIA[Pro349Leu]PTETMAPPVR